The following is an entry in ClinVar:

ClinVar aggregate classification (germline): Pathogenic/Likely pathogenic. Review status: criteria provided, multiple submitters, no conflicts (2 of 4 stars). 3 submissions from 3 submitters: Pathogenic (1); Likely pathogenic (2). Last evaluated 2024-03-12.

Conditions:
USH2A-related disorder. Also called: USH2A-related disorders; USH2A-related condition. Identifiers: MedGen CN239332.
Retinitis pigmentosa 39 (RP39). Identifiers: Orphanet 791, MedGen C3151138, MONDO:0013436, OMIM 613809.

Submissions (3):

Baylor Genetics
Classification: Likely pathogenic for Retinitis pigmentosa 39. Last evaluated: 2024-03-12. Review status: criteria provided, single submitter. Criteria: ACMG Guidelines, 2015. Collection method: clinical testing. Allele origin: unknown.

Labcorp Genetics (formerly Invitae), Labcorp
Classification: Pathogenic. Last evaluated: 2021-11-10. Review status: criteria provided, single submitter. Criteria: Invitae Variant Classification Sherloc (09022015). Collection method: clinical testing. Allele origin: germline.
Comment: This variant is not present in population databases (gnomAD no frequency). This variant has not been reported in the literature in individuals affected with USH2A-related conditions. For these reasons, this variant has been classified as Pathogenic. This sequence change creates a premature translational stop signal (p.Val2715Glyfs*42) in the USH2A gene. It is expected to result in an absent or disrupted protein product. Loss-of-function variants in USH2A are known to be pathogenic (PMID: 10729113, 10909849, 20507924, 25649381).

Blueprint Genetics
Classification: Likely pathogenic for USH2A-related disorders. Last evaluated: 2018-05-31. Review status: criteria provided, single submitter. Criteria: ACMG Guidelines, 2015. Collection method: clinical testing. Allele origin: germline. Affected: yes. Observed: 1 variant allele.

Literature cited by the submitters: PubMed 10729113 (cited by Labcorp Genetics (formerly Invitae), Labcorp); PubMed 10909849 (cited by Labcorp Genetics (formerly Invitae), Labcorp); PubMed 20507924 (cited by Labcorp Genetics (formerly Invitae), Labcorp); PubMed 25649381 (cited by Labcorp Genetics (formerly Invitae), Labcorp).

NM_206933.4(USH2A):c.8143dup (p.Val2715fs)

Gene: USH2A (usherin; minus strand). Cytogenetic location: 1q41.
Variant type: Duplication.
Coding change: c.8143dup on transcript NM_206933.4 (MANE Select); coding-DNA position 8143, one base duplicated (G; older notation c.8143dupG).
Protein change: p.Val2715fs; shifts the reading frame from valine 2715.
Molecular consequence: frameshift variant.
Genome position (GRCh38, 1-based): chr1:215,888,506, C duplicated on the plus strand (G on the coding strand, the reverse complement: USH2A is on the minus strand); the first of 3 consecutive C bases (chr1:215,888,506-215,888,508); duplicating any one gives the same sequence. VCF-style (leftmost placement, unchanged base first): chr1-215888505-A-AC. GRCh37 (hg19) VCF-style: chr1-216061847-A-AC.
Other names: short protein forms V2715fs.
Identifiers: ClinVar variation 1455848 (VCV001455848.8), dbSNP rs760455927, ClinGen allele CA1394678.